The following is an entry in ClinVar:

NM_006231.4(POLE):c.3848C>T (p.Ala1283Val)

Gene: POLE (DNA polymerase epsilon, catalytic subunit; minus strand). Cytogenetic location: 12q24.33.
Variant type: single nucleotide variant.
Coding change: c.3848C>T on transcript NM_006231.4 (MANE Select); coding-DNA position 3848, C replaced by T.
Protein change: p.Ala1283Val; replaces alanine 1283 with valine.
Molecular consequence: missense variant.
Genome position (GRCh38, 1-based): chr12:132,649,463, G>A on the plus strand (C>T on the coding strand, the complement: POLE is on the minus strand). VCF-style: chr12-132649463-G-A. GRCh37 (hg19) VCF-style: chr12-133226049-G-A.
Other names: short protein forms A1283V.
Identifiers: ClinVar variation 4141164 (VCV004141164.1).

ClinVar aggregate classification (germline): Uncertain significance (1 of 4 stars; one submission).

Conditions:
Hereditary cancer-predisposing syndrome. Also called: Hereditary neoplastic syndrome; Neoplastic Syndromes, Hereditary; Tumor predisposition; Hereditary Cancer Syndrome. Identifiers: Orphanet 140162, MedGen C0027672, MeSH D009386, MONDO:0015356.

Submission:

Ambry Genetics
Classification: Uncertain significance for Hereditary cancer-predisposing syndrome. Last evaluated: 2025-07-18. Review status: criteria provided, single submitter. Criteria: Ambry Variant Classification Scheme 2023. Collection method: clinical testing. Allele origin: germline.
Comment: The p.A1283V variant (also known as c.3848C>T), located in coding exon 31 of the POLE gene, results from a C to T substitution at nucleotide position 3848. The alanine at codon 1283 is replaced by valine, an amino acid with similar properties. This amino acid position is conserved. In addition, this alteration is predicted to be tolerated by in silico analysis. Based on the available evidence, the clinical significance of this variant remains unclear.